The following is an entry in ClinVar:

NM_000051.4(ATM):c.5982del (p.Glu1995fs)

Genes: ATM (ATM serine/threonine kinase; plus strand), C11orf65 (chromosome 11 open reading frame 65; minus strand). Cytogenetic location: 11q22.3.
Variant type: Deletion.
Coding change: c.5982del on transcript NM_000051.4 (MANE Select); coding-DNA position 5982, one base deleted (A; older notation c.5982delA).
Protein change: p.Glu1995fs; shifts the reading frame from glutamic acid 1995.
Molecular consequence: frameshift variant. On other transcripts: intron variant (2).
Genome position (GRCh38, 1-based): chr11:108,312,474, A deleted; the last of 3 consecutive A bases (chr11:108,312,472-108,312,474); deleting any one gives the same sequence. VCF-style (leftmost placement, unchanged base first): chr11-108312471-TA-T. GRCh37 (hg19) VCF-style: chr11-108183198-TA-T.
Other names: c.5982del, p.Glu1995fs (NM_001351834.2); c.641-3401del (NM_001330368.2); c.*39-3401del (NM_001351110.2); c.5982delA, p.Glu1995Lysfs (NM_000051.3); short protein forms E1995fs.
Identifiers: ClinVar variation 524268 (VCV000524268.17), dbSNP rs1555111855, ClinGen allele CA658797724.
Genomic context (GRCh38, chr11:108,312,471, plus strand): 5'-AAGTCTTGCATTTGAAGAAGGAAGCCAGAGTACAACTATTTCTAGCTTGAGTGAAAAAAG[TA>T]AAGAAGAAACTGGAATAAGTTTACAGGTAAATATTAGAGGCTCTATTATTTATGACAGTA-3'

ClinVar aggregate classification (germline): Pathogenic. Review status: criteria provided, multiple submitters, no conflicts (2 of 4 stars). 5 submissions from 5 submitters: Pathogenic (5). Last evaluated 2025-07-22.

Conditions:
Hereditary cancer-predisposing syndrome. Also called: Hereditary Cancer Syndrome; Neoplastic Syndromes, Hereditary; Tumor predisposition; Hereditary neoplastic syndrome. Identifiers: Orphanet 140162, MedGen C0027672, MeSH D009386, MONDO:0015356.
Familial cancer of breast. Also called: BREAST CANCER, FAMILIAL; Hereditary breast cancer; hereditary breast carcinoma. Identifiers: Orphanet 227535, MedGen C0346153, MONDO:0016419, OMIM 114480. Disease mechanism: loss of function.
Ataxia-telangiectasia syndrome (AT). Also called: Cerebello-oculocutaneous telangiectasia; Immunodeficiency with ataxia telangiectasia; Ataxia-telangiectasia, complementation group E; Ataxia-telangiectasia, complementation group D; AT, COMPLEMENTATION GROUP C; ATAXIA-TELANGIECTASIA, COMPLEMENTATION GROUP A. Identifiers: Orphanet 100, MedGen C0004135, MONDO:0008840, OMIM 208900.

Submissions (5):

Labcorp Genetics (formerly Invitae), Labcorp
Classification: Pathogenic for Ataxia-telangiectasia syndrome. Last evaluated: 2025-07-22. Review status: criteria provided, single submitter. Criteria: Invitae Variant Classification Sherloc (09022015). Collection method: clinical testing. Allele origin: germline.
Comment: This sequence change creates a premature translational stop signal (p.Glu1995Lysfs*5) in the ATM gene. It is expected to result in an absent or disrupted protein product. Loss-of-function variants in ATM are known to be pathogenic (PMID: 23807571, 25614872). This variant is not present in population databases (gnomAD no frequency). This variant has not been reported in the literature in individuals affected with ATM-related conditions. ClinVar contains an entry for this variant (Variation ID: 524268). RNA analysis performed to evaluate the impact of this premature translational stop signal on mRNA splicing indicates it does not significantly alter splicing (internal data). For these reasons, this variant has been classified as Pathogenic.

Myriad Genetics, Inc.
Classification: Pathogenic for Familial cancer of breast. Last evaluated: 2024-01-26. Review status: criteria provided, single submitter. Criteria: Myriad Autosomal Dominant, Autosomal Recessive and X-Linked Classification Criteria (2023). Collection method: clinical testing. Allele origin: unknown.
Comment: This variant is considered pathogenic. This variant creates a frameshift predicted to result in premature protein truncation.

GeneDx
Classification: Pathogenic. Last evaluated: 2021-03-25. Review status: criteria provided, single submitter. Criteria: GeneDx Variant Classification Process June 2021. Collection method: clinical testing. Allele origin: germline. Affected: yes.
Comment: Frameshift variant predicted to result in protein truncation or nonsense mediated decay in a gene for which loss-of-function is a known mechanism of disease; Not observed in large population cohorts (Lek 2016); Has not been previously published as pathogenic or benign to our knowledge

Ambry Genetics
Classification: Pathogenic for Hereditary cancer-predisposing syndrome. Last evaluated: 2021-03-23. Review status: criteria provided, single submitter. Criteria: Ambry Variant Classification Scheme 2023. Collection method: clinical testing. Allele origin: germline.
Comment: The c.5982delA pathogenic mutation, located in coding exon 39 of the ATM gene, results from a deletion of one nucleotide at nucleotide position 5982, causing a translational frameshift with a predicted alternate stop codon (p.E1995Kfs*5). This alteration is expected to result in loss of function by premature protein truncation or nonsense-mediated mRNA decay. As such, this alteration is interpreted as a disease-causing mutation.

Color Diagnostics, LLC DBA Color Health
Classification: Pathogenic for Hereditary cancer-predisposing syndrome. Last evaluated: 2021-01-02. Review status: criteria provided, single submitter. Criteria: ACMG Guidelines, 2015. Collection method: clinical testing. Allele origin: germline.
Comment: This variant deletes 1 nucleotide in exon 40 of the ATM gene, creating a frameshift and premature translation stop signal. This variant is expected to result in an absent or non-functional protein product. To our knowledge, this variant has not been reported in individuals affected with hereditary cancer in the literature. This variant has not been identified in the general population by the Genome Aggregation Database (gnomAD). Loss of ATM function is a known mechanism of disease. Based on the available evidence, this variant is classified as Pathogenic.

Literature cited by the submitters: PubMed 23807571 (cited by Labcorp Genetics (formerly Invitae), Labcorp); PubMed 25614872 (cited by Labcorp Genetics (formerly Invitae), Labcorp).